The following is an entry in ClinVar:

ClinVar aggregate classification (germline): Likely pathogenic (1 of 4 stars; one submission).

Conditions:
Inborn genetic diseases. Identifiers: MedGen C0950123, MeSH D030342.

Submission:

Ambry Genetics
Classification: Likely pathogenic for Inborn genetic diseases. Last evaluated: 2025-07-21. Review status: criteria provided, single submitter. Criteria: Ambry Variant Classification Scheme 2023. Collection method: clinical testing. Allele origin: germline.
Comment: The c.140G>C (p.R47P) alteration is located in exon 4 (coding exon 2) of the CSNK2A1 gene. This alteration results from a G to C substitution at nucleotide position 140, causing the arginine (R) at amino acid position 47 to be replaced by a proline (P). This variant was not reported in population-based cohorts in the Genome Aggregation Database (gnomAD). Another variant at the same codon, c.140G>A (p.R47Q), has been identified in individual(s) with features consistent with Okur-Chung neurodevelopmental syndrome (Blanc, 2024; Okur, 2016). This amino acid position is highly conserved in available vertebrate species. This missense alteration is located in a region that has a low rate of benign missense variation (Lek, 2016; Firth, 2009). This alteration is predicted to be deleterious by in silico analysis. Based on the available evidence, this alteration is classified as likely pathogenic.

Literature cited by the submitters: PubMed 27048600; PubMed 38711237.

NM_177559.3(CSNK2A1):c.140G>C (p.Arg47Pro)

Gene: CSNK2A1 (casein kinase 2 alpha 1; minus strand). Cytogenetic location: 20p13.
Variant type: single nucleotide variant.
Coding change: c.140G>C on transcript NM_177559.3 (MANE Select); coding-DNA position 140, G replaced by C.
Protein change: p.Arg47Pro; replaces arginine 47 with proline.
Molecular consequence: missense variant. On other transcripts: 5 prime UTR variant (1).
Genome position (GRCh38, 1-based): chr20:505,191, C>G on the plus strand (G>C on the coding strand, the complement: CSNK2A1 is on the minus strand). VCF-style: chr20-505191-C-G. GRCh37 (hg19) VCF-style: chr20-485835-C-G.
Other names: c.140G>C, p.Arg47Pro (NM_001362770.2, NM_001362771.2, NM_001895.4); c.-269G>C (NM_177560.3); short protein forms R47P.
Identifiers: ClinVar variation 4235181 (VCV004235181.1).